The following is an entry in ClinVar:

NM_005629.4(SLC6A8):c.711T>G (p.Leu237=)

Gene: SLC6A8 (solute carrier family 6 member 8; plus strand). Cytogenetic location: Xq28.
Variant type: single nucleotide variant.
Coding change: c.711T>G on transcript NM_005629.4 (MANE Select); coding-DNA position 711, T replaced by G.
Protein change: p.Leu237=; no amino-acid change (leucine 237 retained).
Molecular consequence: synonymous variant.
Genome position (GRCh38, 1-based): chrX:153,692,041, T>G. VCF-style: chrX-153692041-T-G. GRCh37 (hg19) VCF-style: chrX-152957496-T-G.
Other names: c.711T>G, p.Leu237= (NM_001142805.2); c.366T>G, p.Leu122= (NM_001142806.1).
Identifiers: ClinVar variation 3000422 (VCV003000422.5), dbSNP rs2522158311, ClinGen allele CA519186849.

ClinVar aggregate classification (germline): Likely benign. Review status: criteria provided, multiple submitters, no conflicts (2 of 4 stars). 2 submissions from 2 submitters: Likely benign (2). Last evaluated 2026-05-01.

Conditions:
Creatine transporter deficiency (CCDS1). Also called: CREATINE TRANSPORTER DEFECT; CEREBRAL CREATINE DEFICIENCY SYNDROME 1; SLC6A8-Related Creatine Transporter Deficiency; Creatine Transporter (CRTR) Deficiency; X-linked creatine deficiency syndrome; Mental retardation , X-linked with seizures, short stature and midface hypoplasia. Identifiers: Orphanet 52503, MedGen C1845862, MONDO:0010305, OMIM 300352.

Submissions (2):

CeGaT Center for Human Genetics Tuebingen
Classification: Likely benign. Last evaluated: 2026-05-01. Review status: criteria provided, single submitter. Criteria: CeGaT Center For Human Genetics Tuebingen Variant Classification Criteria Version 2. Collection method: clinical testing. Allele origin: germline. Affected: yes. Observed: 1 variant allele.
Comment: SLC6A8: PM2:Supporting, BP4, BP7

Labcorp Genetics (formerly Invitae), Labcorp
Classification: Likely benign for Creatine transporter deficiency. Last evaluated: 2024-02-23. Review status: criteria provided, single submitter. Criteria: Invitae Variant Classification Sherloc (09022015). Collection method: clinical testing. Allele origin: germline.